The following is an entry in ClinVar:

NM_001211.6(BUB1B):c.3013G>C (p.Asp1005His)

Genes: BUB1B (BUB1 mitotic checkpoint serine/threonine kinase B; plus strand), BUB1B-PAK6 (BUB1B-PAK6 readthrough; plus strand). Cytogenetic location: 15q15.1.
Variant type: single nucleotide variant.
Coding change: c.3013G>C on transcript NM_001211.6 (MANE Select); coding-DNA position 3013, G replaced by C.
Protein change: p.Asp1005His; replaces aspartic acid 1005 with histidine.
Molecular consequence: missense variant. On other transcripts: intron variant (2).
Genome position (GRCh38, 1-based): chr15:40,220,619, G>C. VCF-style: chr15-40220619-G-C. GRCh37 (hg19) VCF-style: chr15-40512820-G-C.
Other names: c.-201+2952G>C (NM_001128628.3); c.-118+2952G>C (NM_001128629.3); short protein forms D1005H.
Identifiers: ClinVar variation 1798828 (VCV001798828.9), dbSNP rs781600621, ClinGen allele CA268763458.

ClinVar aggregate classification (germline): Uncertain significance. Review status: criteria provided, multiple submitters, no conflicts (2 of 4 stars). 2 submissions from 2 submitters: Uncertain significance (2). Last evaluated 2025-06-24.

Conditions:
Inborn genetic diseases. Identifiers: MedGen C0950123, MeSH D030342.
Mosaic variegated aneuploidy syndrome 1 (MVA1). Also called: Warburton-Anyane-Yeboa syndrome. Identifiers: Orphanet 1052, MedGen C1850343, MONDO:0009759, OMIM 257300.

Allele frequency attached by ClinVar (database versions not stated): TOPMed below 0.00001; gnomAD 0.00001.
gnomAD v4.1: 7 of 1,614,098 alleles (0.00043%); highest among the groups gnomAD compares: East Asian, 0.0022%; no homozygotes.

Submissions (2):

Ambry Genetics
Classification: Uncertain significance for Inborn genetic diseases. Last evaluated: 2025-06-24. Review status: criteria provided, single submitter. Criteria: Ambry Variant Classification Scheme 2023. Collection method: clinical testing. Allele origin: germline.
Comment: The p.D1005H variant (also known as c.3013G>C), located in coding exon 23 of the BUB1B gene, results from a G to C substitution at nucleotide position 3013. The aspartic acid at codon 1005 is replaced by histidine, an amino acid with similar properties. This amino acid position is conserved. In addition, this alteration is predicted to be tolerated by in silico analysis. Since supporting evidence is limited at this time, the clinical significance of this alteration remains unclear.

Labcorp Genetics (formerly Invitae), Labcorp
Classification: Uncertain significance for Mosaic variegated aneuploidy syndrome 1. Last evaluated: 2022-08-21. Review status: criteria provided, single submitter. Criteria: Invitae Variant Classification Sherloc (09022015). Collection method: clinical testing. Allele origin: germline.
Comment: In summary, the available evidence is currently insufficient to determine the role of this variant in disease. Therefore, it has been classified as a Variant of Uncertain Significance. This sequence change replaces aspartic acid, which is acidic and polar, with histidine, which is basic and polar, at codon 1005 of the BUB1B protein (p.Asp1005His). This variant is not present in population databases (gnomAD no frequency). This variant has not been reported in the literature in individuals affected with BUB1B-related conditions. Algorithms developed to predict the effect of missense changes on protein structure and function are either unavailable or do not agree on the potential impact of this missense change (SIFT: "Tolerated"; PolyPhen-2: "Possibly Damaging"; Align-GVGD: "Class C0").